The following is an entry in ClinVar:

ClinVar aggregate classification (germline): Uncertain significance (1 of 4 stars; one submission).

Submission:

Labcorp Genetics (formerly Invitae), Labcorp
Classification: Uncertain significance. Last evaluated: 2024-08-12. Review status: criteria provided, single submitter. Criteria: Invitae Variant Classification Sherloc (09022015). Collection method: clinical testing. Allele origin: germline.
Comment: This sequence change replaces serine, which is neutral and polar, with phenylalanine, which is neutral and non-polar, at codon 441 of the PPP1R15B protein (p.Ser441Phe). This variant is not present in population databases (gnomAD no frequency). This variant has not been reported in the literature in individuals affected with PPP1R15B-related conditions. Advanced modeling of protein sequence and biophysical properties (such as structural, functional, and spatial information, amino acid conservation, physicochemical variation, residue mobility, and thermodynamic stability) performed at Invitae indicates that this missense variant is expected to disrupt PPP1R15B protein function with a positive predictive value of 80%. In summary, the available evidence is currently insufficient to determine the role of this variant in disease. Therefore, it has been classified as a Variant of Uncertain Significance.

NM_032833.5(PPP1R15B):c.1322C>T (p.Ser441Phe)

Gene: PPP1R15B (protein phosphatase 1 regulatory subunit 15B; minus strand). Cytogenetic location: 1q32.1.
Variant type: single nucleotide variant.
Coding change: c.1322C>T on transcript NM_032833.5 (MANE Select); coding-DNA position 1322, C replaced by T.
Protein change: p.Ser441Phe; replaces serine 441 with phenylalanine.
Molecular consequence: missense variant.
Genome position (GRCh38, 1-based): chr1:204,410,090, G>A on the plus strand (C>T on the coding strand, the complement: PPP1R15B is on the minus strand). VCF-style: chr1-204410090-G-A. GRCh37 (hg19) VCF-style: chr1-204379218-G-A.
Other names: short protein forms S441F.
Identifiers: ClinVar variation 3700308 (VCV003700308.2).